The following is an entry in ClinVar:

ClinVar aggregate classification (germline): Uncertain significance (1 of 4 stars; one submission).

gnomAD v4.1: 15 of 1,613,950 alleles (0.00093%); highest among the groups gnomAD compares: South Asian, 0.013%; no homozygotes.

Submission:

Labcorp Genetics (formerly Invitae), Labcorp
Classification: Uncertain significance. Last evaluated: 2024-04-16. Review status: criteria provided, single submitter. Criteria: Invitae Variant Classification Sherloc (09022015). Collection method: clinical testing. Allele origin: germline.
Comment: This sequence change replaces alanine, which is neutral and non-polar, with threonine, which is neutral and polar, at codon 932 of the HYOU1 protein (p.Ala932Thr). This variant is present in population databases (rs782600232, gnomAD 0.01%). This variant has not been reported in the literature in individuals affected with HYOU1-related conditions. An algorithm developed to predict the effect of missense changes on protein structure and function (PolyPhen-2) suggests that this variant is likely to be tolerated. In summary, the available evidence is currently insufficient to determine the role of this variant in disease. Therefore, it has been classified as a Variant of Uncertain Significance.

NM_006389.5(HYOU1):c.2794G>A (p.Ala932Thr)

Gene: HYOU1 (hypoxia up-regulated 1; minus strand). Cytogenetic location: 11q23.3.
Variant type: single nucleotide variant.
Coding change: c.2794G>A on transcript NM_006389.5 (MANE Select); coding-DNA position 2794, G replaced by A.
Protein change: p.Ala932Thr; replaces alanine 932 with threonine.
Molecular consequence: missense variant.
Genome position (GRCh38, 1-based): chr11:119,046,604, C>T on the plus strand (G>A on the coding strand, the complement: HYOU1 is on the minus strand). VCF-style: chr11-119046604-C-T. GRCh37 (hg19) VCF-style: chr11-118917316-C-T.
Other names: c.2794G>A, p.Ala932Thr (NM_001130991.3, NM_001411041.1); short protein forms A932T.
Identifiers: ClinVar variation 3605077 (VCV003605077.2).
Genomic context (GRCh38, chr11:119,046,604, plus strand): 5'-CAGGTACCCTGTTCTCACCTGCTGGAGGGATGACCTTCTCCCCCTGGTCACTGGCACTGG[C>T]ATTGAGGGGTGGCTCTGCCCGGGTCCCATTCTTGTCCTTAGGCCGGGGCCGGGGCTTGGT-3'
Protein context (NP_006380.1, residues 922-942): NGTRAEPPLN[Ala932Thr]SASDQGEKVI